The following is an entry in ClinVar:

NM_022124.6(CDH23):c.2981C>T (p.Thr994Ile)

Gene: CDH23 (cadherin related 23; plus strand). Cytogenetic location: 10q22.1.
Variant type: single nucleotide variant.
Coding change: c.2981C>T on transcript NM_022124.6 (MANE Select); coding-DNA position 2981, C replaced by T.
Protein change: p.Thr994Ile; replaces threonine 994 with isoleucine.
Molecular consequence: missense variant.
Genome position (GRCh38, 1-based): chr10:71,706,924, C>T. VCF-style: chr10-71706924-C-T. GRCh37 (hg19) VCF-style: chr10-73466681-C-T.
Other names: c.2981C>T, p.Thr994Ile (NM_001171930.2, NM_001171931.2); short protein forms T994I.
Identifiers: ClinVar variation 1522158 (VCV001522158.8), dbSNP rs2132745993, ClinGen allele CA377140875.

ClinVar aggregate classification (germline): Uncertain significance (1 of 4 stars; one submission).

Submission:

Labcorp Genetics (formerly Invitae), Labcorp
Classification: Uncertain significance. Last evaluated: 2021-09-09. Review status: criteria provided, single submitter. Criteria: Invitae Variant Classification Sherloc (09022015). Collection method: clinical testing. Allele origin: germline.
Comment: This sequence change replaces threonine with isoleucine at codon 994 of the CDH23 protein (p.Thr994Ile). The threonine residue is highly conserved and there is a moderate physicochemical difference between threonine and isoleucine. This variant is not present in population databases (ExAC no frequency). This variant has not been reported in the literature in individuals with CDH23-related conditions. Algorithms developed to predict the effect of missense changes on protein structure and function are either unavailable or do not agree on the potential impact of this missense change (SIFT: "Deleterious"; PolyPhen-2: "Not Available"; Align-GVGD: "Class C65"). In summary, the available evidence is currently insufficient to determine the role of this variant in disease. Therefore, it has been classified as a Variant of Uncertain Significance.